The following is an entry in ClinVar:

ClinVar aggregate classification (germline): Uncertain significance (1 of 4 stars; one submission).

Conditions:
Epilepsy, childhood absence, susceptibility to, 1. Also called: Epilepsy, childhood absence 1. Identifiers: Orphanet 64280, MedGen C1838604, MONDO:0020759, OMIM 600131.
Epilepsy, childhood absence, susceptibility to, 5. Identifiers: Orphanet 64280, MedGen C2677087, MONDO:0012843, OMIM 612269.

Submission:

Labcorp Genetics (formerly Invitae), Labcorp
Classification: Uncertain significance for Epilepsy, childhood absence, susceptibility to, 5; Epilepsy, childhood absence, susceptibility to, 1. Last evaluated: 2025-09-07. Review status: criteria provided, single submitter. Criteria: Invitae Variant Classification Sherloc (09022015). Collection method: clinical testing. Allele origin: germline.
Comment: This sequence change replaces leucine, which is neutral and non-polar, with phenylalanine, which is neutral and non-polar, at codon 106 of the GABRB3 protein (p.Leu106Phe). This variant is not present in population databases (gnomAD no frequency). This variant has not been reported in the literature in individuals affected with GABRB3-related conditions. ClinVar contains an entry for this variant (Variation ID: 3754030). Invitae Evidence Modeling of protein sequence and biophysical properties (such as structural, functional, and spatial information, amino acid conservation, physicochemical variation, residue mobility, and thermodynamic stability) has been performed for this missense variant. However, the output from this modeling did not meet the statistical confidence thresholds required to predict the impact of this variant on GABRB3 protein function. In summary, the available evidence is currently insufficient to determine the role of this variant in disease. Therefore, it has been classified as a Variant of Uncertain Significance.

NM_000814.6(GABRB3):c.316C>T (p.Leu106Phe)

Gene: GABRB3 (gamma-aminobutyric acid type A receptor subunit beta3; minus strand). Cytogenetic location: 15q12.
Variant type: single nucleotide variant.
Coding change: c.316C>T on transcript NM_000814.6 (MANE Select); coding-DNA position 316, C replaced by T.
Protein change: p.Leu106Phe; replaces leucine 106 with phenylalanine.
Molecular consequence: missense variant. On other transcripts: non-coding transcript variant (1).
Genome position (GRCh38, 1-based): chr15:26,621,459, G>A on the plus strand (C>T on the coding strand, the complement: GABRB3 is on the minus strand). VCF-style: chr15-26621459-G-A. GRCh37 (hg19) VCF-style: chr15-26866606-G-A.
Other names: c.61C>T, p.Leu21Phe (NM_001191320.2, NM_001278631.2); c.103C>T, p.Leu35Phe (NM_001191321.3); c.316C>T, p.Leu106Phe (NM_021912.5); short protein forms L106F, L21F, L35F.
Identifiers: ClinVar variation 3754030 (VCV003754030.2).